The following is an entry in ClinVar:

ClinVar aggregate classification (germline): Uncertain significance (1 of 4 stars; one submission).

Allele frequency attached by ClinVar (database versions not stated): gnomAD exomes below 0.00001; ExAC 0.00001.
gnomAD v4.1: 5 of 1,613,616 alleles (0.00031%); highest among the groups gnomAD compares: Non-Finnish European, 0.00042%; no homozygotes.

Submission:

Labcorp Genetics (formerly Invitae), Labcorp
Classification: Uncertain significance. Last evaluated: 2024-01-03. Review status: criteria provided, single submitter. Criteria: Invitae Variant Classification Sherloc (09022015). Collection method: clinical testing. Allele origin: germline.
Comment: This sequence change affects codon 778 of the TOP2B mRNA. It is a 'silent' change, meaning that it does not change the encoded amino acid sequence of the TOP2B protein. This variant is present in population databases (rs766660044, gnomAD 0.0009%). This variant has not been reported in the literature in individuals affected with TOP2B-related conditions. ClinVar contains an entry for this variant (Variation ID: 1983464). Algorithms developed to predict the effect of sequence changes on RNA splicing suggest that this variant may create or strengthen a splice site. In summary, the available evidence is currently insufficient to determine the role of this variant in disease. Therefore, it has been classified as a Variant of Uncertain Significance.

NM_001330700.2(TOP2B):c.2349A>G (p.Gln783=)

Gene: TOP2B (DNA topoisomerase II beta; minus strand). Cytogenetic location: 3p24.2.
Variant type: single nucleotide variant.
Coding change: c.2349A>G on transcript NM_001330700.2 (MANE Select); coding-DNA position 2349, A replaced by G.
Protein change: p.Gln783=; no amino-acid change (glutamine 783 retained).
Molecular consequence: synonymous variant.
Genome position (GRCh38, 1-based): chr3:25,624,443, T>C on the plus strand (A>G on the coding strand, the complement: TOP2B is on the minus strand). VCF-style: chr3-25624443-T-C. GRCh37 (hg19) VCF-style: chr3-25665934-T-C.
Other names: c.2334A>G, p.Gln778= (NM_001068.3).
Identifiers: ClinVar variation 1983464 (VCV001983464.4), dbSNP rs766660044, ClinGen allele CA2288502.